The following is an entry in ClinVar:

NM_001267550.2(TTN):c.103620T>G (p.Tyr34540Ter)

Genes: TTN (titin; minus strand), TTN-AS1 (TTN antisense RNA 1; plus strand). Cytogenetic location: 2q31.2.
Variant type: single nucleotide variant.
Coding change: c.103620T>G on transcript NM_001267550.2 (MANE Select); coding-DNA position 103620, T replaced by G.
Protein change: p.Tyr34540Ter; replaces tyrosine 34540 with a stop codon.
Molecular consequence: nonsense.
Genome position (GRCh38, 1-based): chr2:178,532,995, A>C on the plus strand (T>G on the coding strand, the complement: TTN is on the minus strand). VCF-style: chr2-178532995-A-C. GRCh37 (hg19) VCF-style: chr2-179397722-A-C.
Other names: c.98697T>G, p.Tyr32899Ter (NM_001256850.1); c.76425T>G, p.Tyr25475Ter (NM_003319.4); c.95916T>G, p.Tyr31972Ter (NM_133378.4); c.76800T>G, p.Tyr25600Ter (NM_133432.3); c.77001T>G, p.Tyr25667Ter (NM_133437.4); short protein forms Y32899*, Y34540*, Y25475*, Y25600*, Y25667*, Y31972*.
Identifiers: ClinVar variation 2941706 (VCV002941706.3), dbSNP rs1220348139, ClinGen allele CA349413879.

ClinVar aggregate classification (germline): Likely pathogenic (1 of 4 stars; one submission).

Conditions:
Dilated cardiomyopathy 1G (CMD1G). Identifiers: Orphanet 154, MedGen C1858763, MONDO:0011400, OMIM 604145.
Autosomal recessive limb-girdle muscular dystrophy type 2J (LGMDR10). Also called: Limb-girdle muscular dystrophy, type 2J; MUSCULAR DYSTROPHY, LIMB-GIRDLE, AUTOSOMAL RECESSIVE 10. Identifiers: Orphanet 140922, MedGen C1837342, MONDO:0012127, OMIM 608807.

gnomAD v4.1: 2 of 1,613,854 alleles (0.00012%); highest among the groups gnomAD compares: Non-Finnish European, 0.00017%; no homozygotes.

Submission:

Labcorp Genetics (formerly Invitae), Labcorp
Classification: Likely pathogenic for Dilated cardiomyopathy 1G; Autosomal recessive limb-girdle muscular dystrophy type 2J. Last evaluated: 2023-12-06. Review status: criteria provided, single submitter. Criteria: Invitae Variant Classification Sherloc (09022015). Collection method: clinical testing. Allele origin: germline.
Comment: This sequence change creates a premature translational stop signal (p.Tyr34540*) in the TTN gene. While this is not anticipated to result in nonsense mediated decay, it is expected to create a truncated TTN protein. This variant is not present in population databases (gnomAD no frequency). This variant has not been reported in the literature in individuals affected with TTN-related conditions. This variant is located in the M band of TTN (PMID: 25589632). Truncating variants in this region have been previously reported in individuals affected with autosomal recessive myopathy and muscular dystrophy (PMID: 18948003, 23975875, 24395473). Truncating variants in this region have also been identified in individuals affected with autosomal dominant dilated cardiomyopathy and/or cardio-related conditions (PMID: 27869827, 32964742). In summary, the currently available evidence indicates that the variant is pathogenic, but additional data are needed to prove that conclusively. Therefore, this variant has been classified as Likely Pathogenic.

Literature cited by the submitters: PubMed 25589632; PubMed 18948003; PubMed 23975875; PubMed 24395473; PubMed 27869827; PubMed 32964742.